The following is an entry in ClinVar:

ClinVar aggregate classification (germline): Uncertain significance. Review status: criteria provided, multiple submitters, no conflicts (2 of 4 stars). 3 submissions from 3 submitters: Uncertain significance (3). Last evaluated 2024-03-14.

Conditions:
RASopathy. Also called: rasopathies; Noonan spectrum disorder. Identifiers: Orphanet 536391, MedGen C5555857, MONDO:0021060.
Noonan syndrome (NS). Also called: Noonan's syndrome. Identifiers: Orphanet 648, MedGen C0028326, MeSH D009634, MONDO:0018997. Disease mechanism: gain of function.

gnomAD v4.1: 1 of 1,587,484 alleles (0.000063%); highest among the groups gnomAD compares: Admixed American, 0.0017%; no homozygotes.

Submissions (3):

Blueprint Genetics
Classification: Uncertain significance. Last evaluated: 2024-03-14. Review status: criteria provided, single submitter. Criteria: ACMG Guidelines, 2015. Collection method: clinical testing. Allele origin: germline.

Labcorp Genetics (formerly Invitae), Labcorp
Classification: Uncertain significance for RASopathy. Last evaluated: 2023-03-18. Review status: criteria provided, single submitter. Criteria: Invitae Variant Classification Sherloc (09022015). Collection method: clinical testing. Allele origin: germline.
Comment: This sequence change replaces glutamine, which is neutral and polar, with lysine, which is basic and polar, at codon 2 of the SOS1 protein (p.Gln2Lys). This variant is not present in population databases (gnomAD no frequency). This variant has not been reported in the literature in individuals affected with SOS1-related conditions. ClinVar contains an entry for this variant (Variation ID: 1691547). Advanced modeling of protein sequence and biophysical properties (such as structural, functional, and spatial information, amino acid conservation, physicochemical variation, residue mobility, and thermodynamic stability) has been performed at Invitae for this missense variant, however the output from this modeling did not meet the statistical confidence thresholds required to predict the impact of this variant on SOS1 protein function. In summary, the available evidence is currently insufficient to determine the role of this variant in disease. Therefore, it has been classified as a Variant of Uncertain Significance.

St. Jude Molecular Pathology, St. Jude Children's Research Hospital
Classification: Uncertain significance for Noonan syndrome. Last evaluated: 2022-01-06. Review status: criteria provided, single submitter. Criteria: St. Jude Assertion Criteria 2020. Collection method: clinical testing. Allele origin: germline.
Comment: The SOS1 c.4C>A (p.Gln2Lys) missense change is absent in gnomAD v2.1.1 (PM2). This variant occurs in a gene where missense variants are more likely to be damaging based on methods described by Lek et al. (PP2; PMID: 27535533). Four of six in silico tools predict a benign effect of this variant on protein function (BP4), but to our knowledge these predictions have not been confirmed by functional assays. To our knowledge, this variant has not been reported in individuals with Noonan syndrome. In summary, this variant meets criteria to be classified as of uncertain significance based on the ACMG/AMP criteria, as specified by the RASopathy Variant Curation Expert Panel (PMID:29493581): PM2, PP2, BP4.

NM_005633.4(SOS1):c.4C>A (p.Gln2Lys)

Genes: SOS1 (SOS Ras/Rac guanine nucleotide exchange factor 1; minus strand), LOC129933535 (ATAC-STARR-seq lymphoblastoid silent region 11384; plus strand). Cytogenetic location: 2p22.1.
Variant type: single nucleotide variant.
Coding change: c.4C>A on transcript NM_005633.4 (MANE Select); coding-DNA position 4, C replaced by A.
Protein change: p.Gln2Lys; replaces glutamine 2 with lysine.
Molecular consequence: missense variant. On other transcripts: intron variant (1).
Genome position (GRCh38, 1-based): chr2:39,120,419, G>T on the plus strand (C>A on the coding strand, the complement: SOS1 is on the minus strand). VCF-style: chr2-39120419-G-T. GRCh37 (hg19) VCF-style: chr2-39347560-G-T.
Other names: c.4C>A, p.Gln2Lys (NM_001382395.1); c.66+4245C>A (NM_001382394.1); short protein forms Q2K.
Identifiers: ClinVar variation 1691547 (VCV001691547.8), dbSNP rs587781174, ClinGen allele CA346374816.